The following is an entry in ClinVar:

NM_001288705.3(CSF1R):c.41C>T (p.Ala14Val)

Genes: CSF1R (colony stimulating factor 1 receptor; minus strand), LOC111188156 (CSF1R promoter/intronic regulatory region; plus strand). Cytogenetic location: 5q32.
Variant type: single nucleotide variant.
Coding change: c.41C>T on transcript NM_001288705.3 (MANE Select); coding-DNA position 41, C replaced by T.
Protein change: p.Ala14Val; replaces alanine 14 with valine.
Molecular consequence: missense variant. On other transcripts: non-coding transcript variant (1), intron variant (1).
Genome position (GRCh38, 1-based): chr5:150,086,387, G>A on the plus strand (C>T on the coding strand, the complement: CSF1R is on the minus strand). VCF-style: chr5-150086387-G-A. GRCh37 (hg19) VCF-style: chr5-149465950-G-A.
Other names: c.41C>T, p.Ala14Val (NM_001349736.2, NM_001375320.1, NM_005211.4); c.-395-5363C>T (NM_001375321.1); short protein forms A14V.
Identifiers: ClinVar variation 2824622 (VCV002824622.3), dbSNP rs774289908, ClinGen allele CA3507318.

ClinVar aggregate classification (germline): Uncertain significance (1 of 4 stars; one submission).

Allele frequency attached by ClinVar (database versions not stated): gnomAD exomes below 0.00001; ExAC 0.00001.
gnomAD v4.1: 4 of 1,609,540 alleles (0.00025%); highest among the groups gnomAD compares: Non-Finnish European, 0.00034%; no homozygotes.

Submission:

Labcorp Genetics (formerly Invitae), Labcorp
Classification: Uncertain significance. Last evaluated: 2023-01-07. Review status: criteria provided, single submitter. Criteria: Invitae Variant Classification Sherloc (09022015). Collection method: clinical testing. Allele origin: germline.
Comment: This sequence change replaces alanine, which is neutral and non-polar, with valine, which is neutral and non-polar, at codon 14 of the CSF1R protein (p.Ala14Val). This variant is not present in population databases (gnomAD no frequency). In summary, the available evidence is currently insufficient to determine the role of this variant in disease. Therefore, it has been classified as a Variant of Uncertain Significance. Advanced modeling of protein sequence and biophysical properties (such as structural, functional, and spatial information, amino acid conservation, physicochemical variation, residue mobility, and thermodynamic stability) performed at Invitae indicates that this missense variant is not expected to disrupt CSF1R protein function. This variant has not been reported in the literature in individuals affected with CSF1R-related conditions.